The following is an entry in ClinVar:

ClinVar aggregate classification (germline): Uncertain significance. Review status: criteria provided, multiple submitters, no conflicts (2 of 4 stars). 3 submissions from 3 submitters: Uncertain significance (3). Last evaluated 2025-10-29.

Conditions:
Joubert syndrome. Also called: JOUBERT-BOLTSHAUSER SYNDROME; Familial aplasia of the vermis. Identifiers: Orphanet 475, MedGen C5979921, MONDO:0018772.
Meckel-Gruber syndrome. Also called: DYSENCEPHALIA SPLANCHNOCYSTICA; GRUBER SYNDROME; Dysencephalia splachnocystica. Identifiers: Orphanet 564, MedGen C0265215, MONDO:0018921.
Inborn genetic diseases. Identifiers: MedGen C0950123, MeSH D030342.

Allele frequency attached by ClinVar (database versions not stated): gnomAD exomes below 0.00001 and 0.00001; TOPMed 0.00001.
gnomAD v4.1: 19 of 1,607,734 alleles (0.0012%); highest among the groups gnomAD compares: East Asian, 0.0067%; no homozygotes.

Submissions (3):

Ambry Genetics
Classification: Uncertain significance for Inborn genetic diseases. Last evaluated: 2025-10-29. Review status: criteria provided, single submitter. Criteria: Ambry Variant Classification Scheme 2023. Collection method: clinical testing. Allele origin: germline.

Labcorp Genetics (formerly Invitae), Labcorp
Classification: Uncertain significance for Joubert syndrome; Meckel-Gruber syndrome. Last evaluated: 2025-01-13. Review status: criteria provided, single submitter. Criteria: Invitae Variant Classification Sherloc (09022015). Collection method: clinical testing. Allele origin: germline.
Comment: This sequence change replaces arginine, which is basic and polar, with histidine, which is basic and polar, at codon 1177 of the CC2D2A protein (p.Arg1177His). The frequency data for this variant in the population databases is considered unreliable, as metrics indicate poor data quality at this position in the gnomAD database. This variant has not been reported in the literature in individuals affected with CC2D2A-related conditions. ClinVar contains an entry for this variant (Variation ID: 1352410). An algorithm developed to predict the effect of missense changes on protein structure and function outputs the following: PolyPhen-2: "Benign". The histidine amino acid residue is found in multiple mammalian species, which suggests that this missense change does not adversely affect protein function. In summary, the available evidence is currently insufficient to determine the role of this variant in disease. Therefore, it has been classified as a Variant of Uncertain Significance.

Blueprint Genetics
Classification: Uncertain significance. Last evaluated: 2022-11-10. Review status: criteria provided, single submitter. Criteria: ACMG Guidelines, 2015. Collection method: clinical testing. Allele origin: germline.

NM_001378615.1(CC2D2A):c.3530G>A (p.Arg1177His)

Genes: CC2D2A (coiled-coil and C2 domain containing 2A; plus strand), FBXL5 (F-box and leucine rich repeat protein 5; minus strand). Cytogenetic location: 4p15.32.
Variant type: single nucleotide variant.
Coding change: c.3530G>A on transcript NM_001378615.1 (MANE Select); coding-DNA position 3530, G replaced by A.
Protein change: p.Arg1177His; replaces arginine 1177 with histidine.
Molecular consequence: missense variant.
Genome position (GRCh38, 1-based): chr4:15,570,432, G>A. VCF-style: chr4-15570432-G-A. GRCh37 (hg19) VCF-style: chr4-15572055-G-A.
Other names: c.3530G>A, p.Arg1177His (NM_001080522.2); c.3383G>A, p.Arg1128His (NM_001378617.1); short protein forms R1177H, R1128H.
Identifiers: ClinVar variation 1352410 (VCV001352410.7), dbSNP rs1409338849, ClinGen allele CA356421839.